The following is an entry in ClinVar:

NM_005422.4(TECTA):c.5887G>T (p.Val1963Phe)

Genes: TBCEL-TECTA (TBCEL-TECTA readthrough; plus strand), TECTA (tectorin alpha; plus strand). Cytogenetic location: 11q23.3.
Variant type: single nucleotide variant.
Coding change: c.5887G>T on transcript NM_005422.4 (MANE Select); coding-DNA position 5887, G replaced by T.
Protein change: p.Val1963Phe; replaces valine 1963 with phenylalanine.
Molecular consequence: missense variant.
Genome position (GRCh38, 1-based): chr11:121,168,813, G>T. VCF-style: chr11-121168813-G-T. GRCh37 (hg19) VCF-style: chr11-121039522-G-T.
Other names: c.6829G>T, p.Val2277Phe (NM_001378761.1); short protein forms V1963F, V2277F.
Identifiers: ClinVar variation 3364132 (VCV003364132.2).
Genomic context (GRCh38, chr11:121,168,813, plus strand): 5'-AAACATCCTTACCGCCAGGGTGAAGTAGTGTTGACGACTCGAGATGTGCTGTATGTAGGG[G>T]TTTTTGTGGTTGGAGCTGACGCCACACATTTAATCCTAACACTCAACAAATGCTATGCCA-3'
Protein context (NP_005413.2, residues 1953-1973): LTTRDVLYVG[Val1963Phe]FVVGADATHL

ClinVar aggregate classification (germline): Uncertain significance (1 of 4 stars; one submission).

Submission:

GeneDx
Classification: Uncertain significance. Last evaluated: 2025-12-31. Review status: criteria provided, single submitter. Criteria: GeneDx Variant Classification Process June 2021. Collection method: clinical testing. Allele origin: germline.
Comment: Not observed at significant frequency in large population cohorts (gnomAD); In silico analysis suggests that this missense variant does not alter protein structure/function; Has not been previously published as pathogenic or benign to our knowledge; This variant is associated with the following publications: (PMID: 21520338, 31554319, 9590290, 16718611)